The following is an entry in ClinVar:

NM_001686.4(ATP5F1B):c.35C>T (p.Pro12Leu)

Gene: ATP5F1B (ATP synthase F1 subunit beta; minus strand). Cytogenetic location: 12q13.3.
Variant type: single nucleotide variant.
Coding change: c.35C>T on transcript NM_001686.4 (MANE Select); coding-DNA position 35, C replaced by T.
Protein change: p.Pro12Leu; replaces proline 12 with leucine.
Molecular consequence: missense variant.
Genome position (GRCh38, 1-based): chr12:56,645,929, G>A on the plus strand (C>T on the coding strand, the complement: ATP5F1B is on the minus strand). VCF-style: chr12-56645929-G-A. GRCh37 (hg19) VCF-style: chr12-57039713-G-A.
Other names: short protein forms P12L.
Identifiers: ClinVar variation 4852319 (VCV004852319.1).

ClinVar aggregate classification (germline): Likely benign (1 of 4 stars; one submission).

Conditions:
Hypermetabolism due to uncoupled mitochondrial oxidative phosphorylation 2 (HUMOP2). Identifiers: MedGen C5774237, MONDO:0859302, OMIM 620085.

gnomAD v4.1: 139 of 1,606,754 alleles (0.0087%); highest among the groups gnomAD compares: East Asian, 0.11%; no homozygotes.

Submission:

Centre for Medical Genetics,  Mumbai
Classification: Likely benign for Hypermetabolism due to uncoupled mitochondrial oxidative phosphorylation 2. Last evaluated: 2026-05-13. Review status: criteria provided, single submitter. Criteria: ACMG Guidelines, 2015. Collection method: provider interpretation. Allele origin: germline. Inheritance: Autosomal dominant inheritance. Affected: no. Observed: 1 variant allele, 1 heterozygote.
Comment: The variant satisfies PM2 criteria - extremely low frequency in gnomAD population databases. The variant satisfies PP2 criteria - missense variant in a gene with low rate of benign missense mutations and for which missense mutation is a common mechanism of a disease. The variant satisfies BP4 criteria - for a missense or a splice region variant, computational prediction tools unanimously support a benign effect on the gene. However, the variant satisfies BS2 criteria - present in heterozygous state in an individual that clinically does not have Hypermetabolism due to uncoupled mitochondrial oxidative phosphorylation.

Literature cited by the submitters: PubMed 36239646.